The following is an entry in ClinVar:

NM_002471.4(MYH6):c.2722G>A (p.Asp908Asn)

Gene: MYH6 (myosin heavy chain 6; minus strand). Cytogenetic location: 14q11.2.
Variant type: single nucleotide variant.
Coding change: c.2722G>A on transcript NM_002471.4 (MANE Select); coding-DNA position 2722, G replaced by A.
Protein change: p.Asp908Asn; replaces aspartic acid 908 with asparagine.
Molecular consequence: missense variant.
Genome position (GRCh38, 1-based): chr14:23,393,872, C>T on the plus strand (G>A on the coding strand, the complement: MYH6 is on the minus strand). VCF-style: chr14-23393872-C-T. GRCh37 (hg19) VCF-style: chr14-23863081-C-T.
Other names: short protein forms D908N.
Identifiers: ClinVar variation 520340 (VCV000520340.21), dbSNP rs758061689, ClinGen allele CA7115380.
Genomic context (GRCh38, chr14:23,393,872, plus strand): 5'-GCCTCTCATTCATCTCCTTTACTTTGGCCTCCAGCTGAATCTTGTTTTTGATCAGCTGGT[C>T]GCAGCGCTCCTCAGCATCATTGAGGTTGTCTTGTTCCTGGGAGAAGAGAACAGGGAGGAA-3'
Protein context (NP_002462.2, residues 898-918): DNLNDAEERC[Asp908Asn]QLIKNKIQLE

ClinVar aggregate classification (germline): Conflicting classifications of pathogenicity. Review status: criteria provided, conflicting classifications (1 of 4 stars). 4 submissions from 4 submitters: Uncertain significance (3); Likely benign (1). Last evaluated 2025-01-22.

Conditions:
Hypertrophic cardiomyopathy 14. Identifiers: MedGen C2750467, MONDO:0013197, OMIM 613251.
Cardiovascular phenotype. Identifiers: MedGen CN230736.

Allele frequency attached by ClinVar (database versions not stated): ExAC 0.00003; gnomAD 0.00003; gnomAD exomes 0.00003 and 0.00004; TOPMed 0.00003.
gnomAD v4.1: 65 of 1,614,038 alleles (0.004%); highest among the groups gnomAD compares: Non-Finnish European, 0.0047%; no homozygotes.

Submissions (4):

Labcorp Genetics (formerly Invitae), Labcorp
Classification: Uncertain significance for Hypertrophic cardiomyopathy 14. Last evaluated: 2025-01-22. Review status: criteria provided, single submitter. Criteria: Invitae Variant Classification Sherloc (09022015). Collection method: clinical testing. Allele origin: germline.
Comment: This sequence change replaces aspartic acid, which is acidic and polar, with asparagine, which is neutral and polar, at codon 908 of the MYH6 protein (p.Asp908Asn). This variant is present in population databases (rs758061689, gnomAD 0.006%). This missense change has been observed in individual(s) with congenital heart defects (PMID: 35456442). ClinVar contains an entry for this variant (Variation ID: 520340). Invitae Evidence Modeling of protein sequence and biophysical properties (such as structural, functional, and spatial information, amino acid conservation, physicochemical variation, residue mobility, and thermodynamic stability) indicates that this missense variant is not expected to disrupt MYH6 protein function with a negative predictive value of 80%. In summary, the available evidence is currently insufficient to determine the role of this variant in disease. Therefore, it has been classified as a Variant of Uncertain Significance.

Blueprint Genetics
Classification: Likely benign. Last evaluated: 2024-06-07. Review status: criteria provided, single submitter. Criteria: ACMG Guidelines, 2015. Collection method: clinical testing. Allele origin: germline.

Ambry Genetics
Classification: Uncertain significance for Cardiovascular phenotype. Last evaluated: 2022-12-28. Review status: criteria provided, single submitter. Criteria: Ambry Variant Classification Scheme 2023. Collection method: clinical testing. Allele origin: germline.
Comment: The p.D908N variant (also known as c.2722G>A), located in coding exon 20 of the MYH6 gene, results from a G to A substitution at nucleotide position 2722. The aspartic acid at codon 908 is replaced by asparagine, an amino acid with highly similar properties. This variant co-occurred with deletions in the protocadherin alpha cluster in two cases from a congenital heart defects cohort (Zhu W et al. Genes (Basel). 2022 Apr;13(4)). This amino acid position is not well conserved in available vertebrate species. In addition, this alteration is predicted to be tolerated by in silico analysis. Since supporting evidence is limited at this time, the clinical significance of this alteration remains unclear.

GeneDx
Classification: Uncertain significance. Last evaluated: 2022-11-17. Review status: criteria provided, single submitter. Criteria: GeneDx Variant Classification Process June 2021. Collection method: clinical testing. Allele origin: germline. Affected: yes.
Comment: Reported in association with left ventricular outflow tract obstruction (Zhu et al., 2022); In silico analysis supports that this missense variant does not alter protein structure/function; This variant is associated with the following publications: (PMID: 35456442)

Literature cited by the submitters: PubMed 35456442 (cited by Labcorp Genetics (formerly Invitae), Labcorp and Ambry Genetics).